The following is an entry in ClinVar:

NM_004006.3(DMD):c.3806A>C (p.His1269Pro)

Gene: DMD (dystrophin; minus strand). Cytogenetic location: Xp21.1.
Variant type: single nucleotide variant.
Coding change: c.3806A>C on transcript NM_004006.3 (MANE Select); coding-DNA position 3806, A replaced by C.
Protein change: p.His1269Pro; replaces histidine 1269 with proline.
Molecular consequence: missense variant.
Genome position (GRCh38, 1-based): chrX:32,441,295, T>G on the plus strand (A>C on the coding strand, the complement: DMD is on the minus strand). VCF-style: chrX-32441295-T-G. GRCh37 (hg19) VCF-style: chrX-32459412-T-G.
Other names: c.3806A>C (NM_004006.2); c.3782A>C, p.His1261Pro (NM_000109.4); c.3794A>C, p.His1265Pro (NM_004009.3); c.3437A>C, p.His1146Pro (NM_004010.3); short protein forms H1146P, H1261P, H1265P, H1269P.
Identifiers: ClinVar variation 1007644 (VCV001007644.9), dbSNP rs775892814, ClinGen allele CA412670576.

ClinVar aggregate classification (germline): Uncertain significance. Review status: criteria provided, multiple submitters, no conflicts (2 of 4 stars). 3 submissions from 3 submitters: Uncertain significance (2). 1 of the submissions does not count toward it. Last evaluated 2022-12-08.

Conditions:
Cardiovascular phenotype. Identifiers: MedGen CN230736.
Duchenne muscular dystrophy (DMD). Also called: MUSCULAR DYSTROPHY, PSEUDOHYPERTROPHIC PROGRESSIVE, DUCHENNE TYPE; Duchenne Muscular Dystrophy (DMD). Identifiers: Orphanet 98896, MedGen C0013264, MONDO:0010679, OMIM 310200.
Dystrophin deficiency.
Becker muscular dystrophy (BMD). Also called: MUSCULAR DYSTROPHY, PSEUDOHYPERTROPHIC PROGRESSIVE, BECKER TYPE; Becker Muscular Dystrophy (BMD). Identifiers: Orphanet 98895, MedGen C0917713, MONDO:0010311, OMIM 300376.
Cardiomyopathy (CMYO). Also called: Cardiomyopathies. Identifiers: Orphanet 167848, MedGen C0878544, MONDO:0004994, HP:0001638. Inheritance: Various modes of inheritance.

gnomAD v4.1: 2 of 1,205,686 alleles (0.00017%); highest among the groups gnomAD compares: Non-Finnish European, 0.00022%; no homozygotes.

Submissions (3):

Ambry Genetics
Classification: Uncertain significance for Cardiovascular phenotype. Last evaluated: 2022-12-08. Review status: criteria provided, single submitter. Criteria: Ambry Variant Classification Scheme 2023. Collection method: clinical testing. Allele origin: germline.
Comment: The p.H1269P variant (also known as c.3806A>C), located in coding exon 28 of the DMD gene, results from an A to C substitution at nucleotide position 3806. The histidine at codon 1269 is replaced by proline, an amino acid with similar properties. Based on data from gnomAD, the C allele has an overall frequency of 0.0046% (1/21853) total alleles studied, with 0 hemizygote(s) observed. The highest observed frequency was 0.0093% (1/10777) of European (non-Finnish) alleles. This amino acid position is not well conserved in available vertebrate species. In addition, this alteration is predicted to be tolerated by in silico analysis. Since supporting evidence is limited at this time, the clinical significance of this alteration remains unclear.

Labcorp Genetics (formerly Invitae), Labcorp
Classification: Uncertain significance for Duchenne muscular dystrophy. Last evaluated: 2021-08-30. Review status: criteria provided, single submitter. Criteria: Invitae Variant Classification Sherloc (09022015). Collection method: clinical testing. Allele origin: germline.
Comment: This sequence change replaces histidine with proline at codon 1269 of the DMD protein (p.His1269Pro). The histidine residue is highly conserved and there is a moderate physicochemical difference between histidine and proline. This variant is not present in population databases (ExAC no frequency). This variant has not been reported in the literature in individuals affected with DMD-related conditions. Algorithms developed to predict the effect of missense changes on protein structure and function are either unavailable or do not agree on the potential impact of this missense change (SIFT: "Tolerated"; PolyPhen-2: "Possibly Damaging"; Align-GVGD: "Class C0"). In summary, the available evidence is currently insufficient to determine the role of this variant in disease. Therefore, it has been classified as a Variant of Uncertain Significance.

Natera, Inc.
Classification: Uncertain significance for Becker muscular dystrophy; Cardiomyopathy; Duchenne muscular dystrophy; Dystrophin deficiency. Last evaluated: 2020-04-28. Review status: no assertion criteria provided. Collection method: clinical testing. Allele origin: germline. Not counted in ClinVar's aggregate classification.